The following is an entry in ClinVar:

ClinVar aggregate classification (germline): Conflicting classifications of pathogenicity. Review status: criteria provided, conflicting classifications (1 of 4 stars). 2 submissions from 2 submitters: Uncertain significance (1); Likely benign (1). Last evaluated 2025-10-24.

Allele frequency attached by ClinVar (database versions not stated): ESP Exome Variant Server 0.00008; ExAC 0.00002; gnomAD 0.00005; TOPMed 0.00006.
gnomAD v4.1: 54 of 1,613,892 alleles (0.0033%); highest among the groups gnomAD compares: Non-Finnish European, 0.0043%; no homozygotes.

Submissions (2):

Labcorp Genetics (formerly Invitae), Labcorp
Classification: Likely benign. Last evaluated: 2025-10-24. Review status: criteria provided, single submitter. Criteria: Invitae Variant Classification Sherloc (09022015). Collection method: clinical testing. Allele origin: germline.

Women's Health and Genetics/Laboratory Corporation of America, LabCorp
Classification: Uncertain significance. Last evaluated: 2024-11-29. Review status: criteria provided, single submitter. Criteria: LabCorp Variant Classification Summary - May 2015. Collection method: clinical testing. Allele origin: germline.
Comment: Variant summary: ITPR1 c.3684G>A alters a conserved nucleotide resulting in a synonymous change. Several computational tools predict a significant impact on normal splicing: Three predict the variant abolishes a cryptic 3' acceptor site. However, these predictions have yet to be confirmed by functional studies. The variant allele was found at a frequency of 2.4e-05 in 249196 control chromosomes. The available data on variant occurrences in the general population are insufficient to allow any conclusion about variant significance. c.3684G>A has been reported in the literature in a heterozygous individual affected with Parkinson's disease (e.g. Trinh_2019). This report does not provide unequivocal conclusions about association of the variant with Spinocerebellar Ataxia 29. To our knowledge, no experimental evidence demonstrating an impact on protein function has been reported. The following publication has been ascertained in the context of this evaluation (PMID: 30537300). ClinVar contains an entry for this variant (Variation ID: 3000436). Based on the evidence outlined above, the variant was classified as uncertain significance.

Literature cited by the submitters: PubMed 30537300 (cited by Women's Health and Genetics/Laboratory Corporation of America, LabCorp).

NM_001378452.1(ITPR1):c.3756G>A (p.Gln1252=)

Gene: ITPR1 (inositol 1,4,5-trisphosphate receptor type 1; plus strand). Cytogenetic location: 3p26.1.
Variant type: single nucleotide variant.
Coding change: c.3756G>A on transcript NM_001378452.1 (MANE Select); coding-DNA position 3756, G replaced by A.
Protein change: p.Gln1252=; no amino-acid change (glutamine 1252 retained).
Molecular consequence: synonymous variant.
Genome position (GRCh38, 1-based): chr3:4,688,548, G>A. VCF-style: chr3-4688548-G-A. GRCh37 (hg19) VCF-style: chr3-4730232-G-A.
Other names: c.3729G>A, p.Gln1243= (NM_001099952.4); c.3711G>A, p.Gln1237= (NM_001168272.2); c.3684G>A, p.Gln1228= (NM_002222.7).
Identifiers: ClinVar variation 3000436 (VCV003000436.5), dbSNP rs369352810, ClinGen allele CA2231802.